The following is an entry in ClinVar:

ClinVar aggregate classification (germline): Likely benign (1 of 4 stars; one submission).

gnomAD v4.1: 60 of 1,613,908 alleles (0.0037%); highest among the groups gnomAD compares: Non-Finnish European, 0.0047%; no homozygotes.

Submission:

Mayo Clinic Laboratories, Mayo Clinic
Classification: Likely benign. Last evaluated: 2025-04-01. Review status: criteria provided, single submitter. Criteria: ACMG Guidelines, 2015. Collection method: clinical testing. Allele origin: germline. Observed: 1 variant allele.
Comment: BP4, BP7

NM_031418.4(ANO3):c.1602T>A (p.Pro534=)

Gene: ANO3 (anoctamin 3; plus strand). Cytogenetic location: 11p14.2.
Variant type: single nucleotide variant.
Coding change: c.1602T>A on transcript NM_031418.4 (MANE Select); coding-DNA position 1602, T replaced by A.
Protein change: p.Pro534=; no amino-acid change (proline 534 retained).
Molecular consequence: synonymous variant.
Genome position (GRCh38, 1-based): chr11:26,598,929, T>A. VCF-style: chr11-26598929-T-A. GRCh37 (hg19) VCF-style: chr11-26620476-T-A.
Other names: p.Pro534=; c.1785T>A, p.Pro595= (NM_001313726.2); c.1164T>A, p.Pro388= (NM_001313727.2).
Identifiers: ClinVar variation 4683603 (VCV004683603.1).
Genomic context (GRCh38, chr11:26,598,929, plus strand): 5'-TCCCCAGTTTGAAGCCAAGTATTACAAGATGGAGATTGTAAATCCCATCACGGGAAAACC[T>A]GAACCACATCAGCCTTCCTCAGACAAAGTCACTCGTCTTCTTGTTTCTGTCTCAGGAATA-3'
Protein context (NP_113606.2, residues 524-544): MEIVNPITGK[Pro534=]EPHQPSSDKV